The following is an entry in ClinVar:

NM_000062.3(SERPING1):c.1106del (p.Asp369fs)

Gene: SERPING1 (serpin family G member 1; plus strand). Cytogenetic location: 11q12.1.
Variant type: Deletion.
Coding change: c.1106del on transcript NM_000062.3 (MANE Select); coding-DNA position 1106, one base deleted (A; older notation c.1106delA).
Protein change: p.Asp369fs; shifts the reading frame from aspartic acid 369.
Molecular consequence: frameshift variant.
Genome position (GRCh38, 1-based): chr11:57,611,793, A deleted. VCF-style (leftmost placement, unchanged base first): chr11-57611792-GA-G. GRCh37 (hg19) VCF-style: chr11-57379265-GA-G.
Other names: c.1106del, p.Asp369fs (NM_001032295.2); c.1106delA (NM_000062.2); short protein forms D369fs.
Identifiers: ClinVar variation 626355 (VCV000626355.2), dbSNP rs1565173309, ClinGen allele CA913190274.

ClinVar aggregate classification (germline): Pathogenic (1 of 4 stars; one submission).

Conditions:
Hereditary angioedema type 1 (HAE1). Identifiers: Orphanet 100050, Orphanet 100051, Orphanet 91378, MedGen C2717906, MONDO:0015053, OMIM 106100.

Submission:

Department of Immunology and Histocompatibility, University of Thessaly
Classification: Pathogenic for Hereditary angioedema type 1. Review status: criteria provided, single submitter. Criteria: ACMG Guidelines, 2015. Collection method: clinical testing. Allele origin: germline. Affected: yes. Observed: 4 variant alleles.
Comment: The c.1106delA (p.Asp369Alafs*28) variant has been previously reported in association with hereditary angioedema in the literature (Kalmar et al., 2003; Speletas et al., 2015; Loules et al., 2018) and in HAE database. The mutation was detected by our laboratory in 4 C1-INH HAE patients, members of a Greek family (3 female and 1 male). The variant has never been detected in approximately 120000 individuals of the Exome Aggregation Consortium (ExAC) nor in 1000Genome Project, indicating that it is not a common variant. One missense mutation, c.1105C>A (p.Asp369Asn) has been detected once in approximately 120000 individuals of the Exome Aggregation Consortium (ExAC) in a european (non-Finnish) patient which changes the same aminoacid of the protein and is predicted benign and deleterious by PolyPhen2 and SIFT, respectively. Taking all the above into account and according to ACMG Guidelines (Criteria: PVS1, PM2, PM4, PP1, PP4) the variant is considered pathogenic.

Literature cited by the submitters: PubMed 29753808.